The following is an entry in ClinVar:

ClinVar aggregate classification (germline): Likely benign. Review status: criteria provided, single submitter (1 of 4 stars). 2 submissions from 2 submitters: Likely benign (1). 1 of the submissions does not count toward it. Last evaluated 2025-09-19.

Conditions:
KIF11-related disorder. Also called: KIF11-related condition.

Allele frequency attached by ClinVar (database versions not stated): gnomAD 0.00001; TOPMed 0.00001; ExAC 0.00002.

Submissions (2):

Labcorp Genetics (formerly Invitae), Labcorp
Classification: Likely benign. Last evaluated: 2025-09-19. Review status: criteria provided, single submitter. Criteria: Invitae Variant Classification Sherloc (09022015). Collection method: clinical testing. Allele origin: germline.

PreventionGenetics, part of Exact Sciences
Classification: Likely benign for KIF11-related condition. Last evaluated: 2019-05-24. Review status: no assertion criteria provided. Collection method: clinical testing. Allele origin: germline. Not counted in ClinVar's aggregate classification.
Comment: This variant is classified as likely benign based on ACMG/AMP sequence variant interpretation guidelines (Richards et al. 2015 PMID: 25741868, with internal and published modifications).

NM_004523.4(KIF11):c.2002-4A>G

Gene: KIF11 (kinesin family member 11; plus strand). Cytogenetic location: 10q23.33.
Variant type: single nucleotide variant.
Coding change: c.2002-4A>G on transcript NM_004523.4 (MANE Select); 4 bases into the intron before coding-DNA position 2002, A replaced by G.
Molecular consequence: intron variant.
Genome position (GRCh38, 1-based): chr10:92,637,383, A>G. VCF-style: chr10-92637383-A-G. GRCh37 (hg19) VCF-style: chr10-94397140-A-G.
Other names: c.2002-4A>G (NM_004523.3).
Identifiers: ClinVar variation 1668574 (VCV001668574.10), dbSNP rs769184809, ClinGen allele CA5604312.